The following is an entry in ClinVar:

ClinVar aggregate classification (germline): Uncertain significance. Review status: criteria provided, multiple submitters, no conflicts (2 of 4 stars). 3 submissions from 3 submitters: Uncertain significance (3). Last evaluated 2024-08-20.

Conditions:
Inborn genetic diseases. Identifiers: MedGen C0950123, MeSH D030342.
Bethlem myopathy 1A. Also called: MYOPATHY, BENIGN CONGENITAL, WITH CONTRACTURES; Bethlem myopathy 1; Bethlem Muscular Dystrophy. Identifiers: Orphanet 610, MedGen CN029274, MONDO:0024530, OMIM 158810.
Collagen 6-related myopathy. Identifiers: MedGen CN117976, MONDO:0100225.

Allele frequency attached by ClinVar (database versions not stated): gnomAD exomes below 0.00001; TOPMed below 0.00001.
gnomAD v4.1: 1 of 1,614,252 alleles (0.000062%); highest among the groups gnomAD compares: Non-Finnish European, 0.000085%; no homozygotes.

Submissions (3):

Ambry Genetics
Classification: Uncertain significance for Inborn genetic diseases. Last evaluated: 2024-08-20. Review status: criteria provided, single submitter. Criteria: Ambry Variant Classification Scheme 2023. Collection method: clinical testing. Allele origin: germline.

Labcorp Genetics (formerly Invitae), Labcorp
Classification: Uncertain significance for Bethlem myopathy 1A. Last evaluated: 2024-08-04. Review status: criteria provided, single submitter. Criteria: Invitae Variant Classification Sherloc (09022015). Collection method: clinical testing. Allele origin: germline.
Comment: This sequence change replaces glutamic acid, which is acidic and polar, with valine, which is neutral and non-polar, at codon 1807 of the COL6A3 protein (p.Glu1807Val). This variant is not present in population databases (gnomAD no frequency). This variant has not been reported in the literature in individuals affected with COL6A3-related conditions. ClinVar contains an entry for this variant (Variation ID: 899021). Advanced modeling of protein sequence and biophysical properties (such as structural, functional, and spatial information, amino acid conservation, physicochemical variation, residue mobility, and thermodynamic stability) has been performed at Invitae for this missense variant, however the output from this modeling did not meet the statistical confidence thresholds required to predict the impact of this variant on COL6A3 protein function. In summary, the available evidence is currently insufficient to determine the role of this variant in disease. Therefore, it has been classified as a Variant of Uncertain Significance.

Illumina Laboratory Services, Illumina
Classification: Uncertain significance for Collagen VI-related myopathy. Last evaluated: 2018-01-12. Review status: criteria provided, single submitter. Criteria: ICSL Variant Classification Criteria 13 December 2019. Collection method: clinical testing. Allele origin: germline.

NM_004369.4(COL6A3):c.5420A>T (p.Glu1807Val)

Gene: COL6A3 (collagen type VI alpha 3 chain; minus strand). Cytogenetic location: 2q37.3.
Variant type: single nucleotide variant.
Coding change: c.5420A>T on transcript NM_004369.4 (MANE Select); coding-DNA position 5420, A replaced by T.
Protein change: p.Glu1807Val; replaces glutamic acid 1807 with valine.
Molecular consequence: missense variant.
Genome position (GRCh38, 1-based): chr2:237,366,767, T>A on the plus strand (A>T on the coding strand, the complement: COL6A3 is on the minus strand). VCF-style: chr2-237366767-T-A. GRCh37 (hg19) VCF-style: chr2-238275410-T-A.
Other names: c.3599A>T, p.Glu1200Val (NM_057166.5); c.4802A>T, p.Glu1601Val (NM_057167.4); short protein forms E1200V, E1807V, E1601V.
Identifiers: ClinVar variation 899021 (VCV000899021.16), dbSNP rs2077563075, ClinGen allele CA351187489.